The following is an entry in ClinVar:

ClinVar aggregate classification (somatic clinical impact): Tier I - Strong (1 of 4 stars; one submission).

Conditions:
Diffuse glioma, H3 G34 mutant. Identifiers: MedGen CN377580, MONDO:0957197.

Submission:

Institute for Genomic Medicine (IGM) Clinical Laboratory, Nationwide Children's Hospital
Classification: Tier I - Strong for Diffuse glioma, H3 G34 mutant. Assertion type: diagnostic. Clinical significance: supports diagnosis. Last evaluated: 2024-03-29. Review status: criteria provided, single submitter. Criteria: AMP/ASCO/CAP Guidelines, 2017. Collection method: clinical testing. Allele origin: somatic. Affected: yes.
Comment: Variant has Tier I (strong) clinical significance as a diagnostic inclusion criterion in diffuse glioma, H3 G34 mutant, based on the following evidence: 1) Documented in one or more cancer databases (e.g., St. Jude Pecan, COSMIC, CIViC, OncoKB). 2) Information in the literature supports potential biologic effect of variant (PMID: 23752188). 3) Diagnostic for a specific tumor type/classification based on well-powered studies with expert-level consensus (Evidence Level B; PMIDs: 24705251, 25230881, 28966033, 29763623, 24705250, 33259802, 35195909).

Literature cited by the submitters: PubMed 23752188; PubMed 24705251; PubMed 25230881; PubMed 28966033; PubMed 29763623; PubMed 24705250; PubMed 33259802; PubMed 35195909.

NM_006206.6(PDGFRA):c.1607T>A (p.Val536Glu)

Gene: PDGFRA (platelet derived growth factor receptor alpha; plus strand). Cytogenetic location: 4q12.
Variant type: single nucleotide variant.
Coding change: c.1607T>A on transcript NM_006206.6 (MANE Select); coding-DNA position 1607, T replaced by A.
Protein change: p.Val536Glu; replaces valine 536 with glutamic acid.
Molecular consequence: missense variant.
Genome position (GRCh38, 1-based): chr4:54,274,579, T>A. VCF-style: chr4-54274579-T-A. GRCh37 (hg19) VCF-style: chr4-55140746-T-A.
Other names: c.1607T>A, p.Val536Glu (NM_001347827.2, NM_001347829.2); c.1682T>A, p.Val561Glu (NM_001347828.2); c.1646T>A, p.Val549Glu (NM_001347830.2); short protein forms V536E, V549E, V561E.
Identifiers: ClinVar variation 4530343 (VCV004530343.1).